The following is an entry in ClinVar:

ClinVar aggregate classification (germline): Uncertain significance. Review status: criteria provided, multiple submitters, no conflicts (2 of 4 stars). 3 submissions from 3 submitters: Uncertain significance (3). Last evaluated 2025-07-16.

Conditions:
Hereditary spherocytosis type 4. Also called: SLC4A1-Related Spherocytosis. Identifiers: Orphanet 822, MedGen C2675212, MONDO:0012981, OMIM 612653.
BLOOD GROUP--SWANN SYSTEM (SW). Also called: SWANN BLOOD GROUP. Identifiers: MedGen C1832169, OMIM 601550.
BLOOD GROUP, WALDNER (WD). Also called: WALDNER BLOOD GROUP ANTIGEN. Identifiers: MedGen C1862191, OMIM 112010.
Southeast Asian ovalocytosis. Also called: Stomatocytic elliptocytosis, hereditary; Ovalocytosis, Malaysian-Melanesian-Filipino type; Elliptocytosis 4; HE, STOMATOCYTIC. Identifiers: Orphanet 98868, MedGen C1862322, MONDO:0008165, OMIM 166900.
Autosomal dominant distal renal tubular acidosis (DRTA1). Also called: RENAL TUBULAR ACIDOSIS, DISTAL, 1; RTA, CLASSIC TYPE; RTA, DISTAL TYPE, AUTOSOMAL DOMINANT; RTA, GRADIENT TYPE; Renal Tubular Acidosis, Type I. Identifiers: Orphanet 93608, MedGen CN280572, MONDO:0008368, OMIM 179800.
BLOOD GROUP--DIEGO SYSTEM (DI). Identifiers: MedGen C1292286, OMIM 110500.
BLOOD GROUP--WRIGHT ANTIGEN (WR). Identifiers: MedGen C1862190, OMIM 112050.
Malaria, susceptibility to. Identifiers: Orphanet 673, MedGen C1970028, MONDO:0021024, OMIM 611162.
Cryohydrocytosis. Also called: STOMATOCYTOSIS, COLD-SENSITIVE; CRYOHYDROCYTOSIS DUE TO BAND 3 HEMEL; CRYOHYDROCYTOSIS DUE TO BAND 3 HURSTPIERPOINT; CRYOHYDROCYTOSIS DUE TO BAND 3 BLACKBURN; Hereditary cryohydrocytosis with normal stomatin. Identifiers: Orphanet 398088, MedGen C1861453, MONDO:0008494, OMIM 185020.
Renal tubular acidosis, distal, 4, with hemolytic anemia. Also called: Renal Tubular Acidosis, Distal, with Hemolytic Anemia. Identifiers: Orphanet 93610, MedGen C5436235, MONDO:0012700, OMIM 611590.
BLOOD GROUP--FROESE (FR). Also called: FROESE BLOOD GROUP ANTIGEN. Identifiers: MedGen C1832168, OMIM 601551.
Inborn genetic diseases. Identifiers: MedGen C0950123, MeSH D030342.

Submissions (3):

GeneDx
Classification: Uncertain significance. Last evaluated: 2025-07-16. Review status: criteria provided, single submitter. Criteria: GeneDx Variant Classification Process June 2021. Collection method: clinical testing. Allele origin: germline. Affected: yes.
Comment: In silico analysis supports that this missense variant has a deleterious effect on protein structure/function; Has not been previously published as pathogenic or benign to our knowledge

Ambry Genetics
Classification: Uncertain significance for Inborn genetic diseases. Last evaluated: 2025-04-08. Review status: criteria provided, single submitter. Criteria: Ambry Variant Classification Scheme 2023. Collection method: clinical testing. Allele origin: germline.

Fulgent Genetics
Classification: Uncertain significance for BLOOD GROUP--DIEGO SYSTEM; BLOOD GROUP, WALDNER; BLOOD GROUP--WRIGHT ANTIGEN; Southeast Asian ovalocytosis; Autosomal dominant distal renal tubular acidosis; Cryohydrocytosis; BLOOD GROUP--SWANN SYSTEM; BLOOD GROUP--FROESE; Malaria, susceptibility to; Renal tubular acidosis, distal, 4, with hemolytic anemia; Hereditary spherocytosis type 4. Last evaluated: 2024-06-04. Review status: criteria provided, single submitter. Criteria: ACMG Guidelines, 2015. Collection method: clinical testing. Allele origin: germline.

NM_000342.4(SLC4A1):c.1421C>G (p.Ala474Gly)

Gene: SLC4A1 (solute carrier family 4 member 1 (Diego blood group); minus strand). Cytogenetic location: 17q21.31.
Variant type: single nucleotide variant.
Coding change: c.1421C>G on transcript NM_000342.4 (MANE Select); coding-DNA position 1421, C replaced by G.
Protein change: p.Ala474Gly; replaces alanine 474 with glycine.
Molecular consequence: missense variant.
Genome position (GRCh38, 1-based): chr17:44,257,669, G>C on the plus strand (C>G on the coding strand, the complement: SLC4A1 is on the minus strand). VCF-style: chr17-44257669-G-C. GRCh37 (hg19) VCF-style: chr17-42335037-G-C.
Other names: c.1421C>G (NM_000342.3); short protein forms A474G.
Identifiers: ClinVar variation 3582112 (VCV003582112.3).
Genomic context (GRCh38, chr17:44,257,669, plus strand): 5'-CAGGTGGTGCGGGGGACATGACAGGGTCAGTGGGGCAAGGACAGAACTACCGAGAAGAAG[G>C]CTTCCTCAAACACCAGCAGGGGTCCTGAGAAGCCGACCACAAGCAGGGGCTGAGCCCCCA-3'
Protein context (NP_000333.1, residues 464-484): FSGPLLVFEE[Ala474Gly]FFSFCETNGL